The following is an entry in ClinVar:

ClinVar aggregate classification (germline): Uncertain significance (1 of 4 stars; one submission).

Submission:

GeneDx
Classification: Uncertain significance. Last evaluated: 2024-04-29. Review status: criteria provided, single submitter. Criteria: GeneDx Variant Classification Process June 2021. Collection method: clinical testing. Allele origin: germline. Affected: yes.
Comment: Not observed at significant frequency in large population cohorts (gnomAD); In silico analysis supports that this missense variant has a deleterious effect on protein structure/function; Has not been previously published as pathogenic or benign to our knowledge

NM_014974.3(DIP2C):c.4039G>A (p.Gly1347Arg)

Gene: DIP2C (disco interacting protein 2 homolog C; minus strand). Cytogenetic location: 10p15.3.
Variant type: single nucleotide variant.
Coding change: c.4039G>A on transcript NM_014974.3 (MANE Select); coding-DNA position 4039, G replaced by A.
Protein change: p.Gly1347Arg; replaces glycine 1347 with arginine.
Molecular consequence: missense variant.
Genome position (GRCh38, 1-based): chr10:288,369, C>T on the plus strand (G>A on the coding strand, the complement: DIP2C is on the minus strand). VCF-style: chr10-288369-C-T. GRCh37 (hg19) VCF-style: chr10-334309-C-T.
Other names: short protein forms G1347R.
Identifiers: ClinVar variation 3373229 (VCV003373229.1).
Genomic context (GRCh38, chr10:288,369, plus strand): 5'-ATACAGTCAGAAGCGAACGGATACAGAAATGCGTGCCTCTTCCTATAATACTTACCTTTC[C>T]CGATTCCATCAGGGGCAGACTATGAGGGGATCCTCTTTCCACTAAGCGGACTCTGCAAAC-3'
Protein context (NP_055789.1, residues 1337-1357): SPHSLPLMES[Gly1347Arg]KILPGVRIII